The following is an entry in ClinVar:

ClinVar aggregate classification (germline): Uncertain significance (1 of 4 stars; one submission).

Conditions:
Atrioventricular septal defect 5 (AVSD5). Identifiers: MedGen C3280939, MONDO:0013769, OMIM 614474.

Submission:

Labcorp Genetics (formerly Invitae), Labcorp
Classification: Uncertain significance for Atrioventricular septal defect 5. Last evaluated: 2025-05-19. Review status: criteria provided, single submitter. Criteria: Invitae Variant Classification Sherloc (09022015). Collection method: clinical testing. Allele origin: germline.
Comment: This sequence change replaces proline, which is neutral and non-polar, with leucine, which is neutral and non-polar, at codon 344 of the GATA6 protein (p.Pro344Leu). This variant is not present in population databases (gnomAD no frequency). This variant has not been reported in the literature in individuals affected with GATA6-related conditions. ClinVar contains an entry for this variant (Variation ID: 657314). Invitae Evidence Modeling of protein sequence and biophysical properties (such as structural, functional, and spatial information, amino acid conservation, physicochemical variation, residue mobility, and thermodynamic stability) indicates that this missense variant is not expected to disrupt GATA6 protein function with a negative predictive value of 80%. In summary, the available evidence is currently insufficient to determine the role of this variant in disease. Therefore, it has been classified as a Variant of Uncertain Significance.

NM_005257.6(GATA6):c.1031C>T (p.Pro344Leu)

Gene: GATA6 (GATA binding protein 6; plus strand). Cytogenetic location: 18q11.2.
Variant type: single nucleotide variant.
Coding change: c.1031C>T on transcript NM_005257.6 (MANE Select); coding-DNA position 1031, C replaced by T.
Protein change: p.Pro344Leu; replaces proline 344 with leucine.
Molecular consequence: missense variant.
Genome position (GRCh38, 1-based): chr18:22,172,175, C>T. VCF-style: chr18-22172175-C-T. GRCh37 (hg19) VCF-style: chr18-19752136-C-T.
Other names: short protein forms P344L.
Identifiers: ClinVar variation 657314 (VCV000657314.6), dbSNP rs1598734418, ClinGen allele CA401801663.